The following is an entry in ClinVar:

NM_001244008.2(KIF1A):c.720+5G>C

Gene: KIF1A (kinesin family member 1A; minus strand). Cytogenetic location: 2q37.3.
Variant type: single nucleotide variant.
Coding change: c.720+5G>C on transcript NM_001244008.2 (MANE Select); 5 bases into the intron after coding-DNA position 720, G replaced by C.
Molecular consequence: intron variant.
Genome position (GRCh38, 1-based): chr2:240,784,984, C>G on the plus strand (G>C on the coding strand, the complement: KIF1A is on the minus strand). VCF-style: chr2-240784984-C-G. GRCh37 (hg19) VCF-style: chr2-241724401-C-G.
Other names: c.720+5G>C (NM_004321.7, NM_001379653.1, NM_001379650.1 and 21 more transcripts).
Identifiers: ClinVar variation 392643 (VCV000392643.15), dbSNP rs377502239, ClinGen allele CA2208695.

ClinVar aggregate classification (germline): Conflicting classifications of pathogenicity. Review status: criteria provided, conflicting classifications (1 of 4 stars). 5 submissions from 5 submitters: Uncertain significance (2); Likely benign (1). 2 of the submissions do not count toward it. Last evaluated 2025-12-03.

Conditions:
Hereditary spastic paraplegia 30. Identifiers: Orphanet 101010, MedGen C5235139, MONDO:0012476.
Neuropathy, hereditary sensory, type 2C. Also called: Hereditary sensory and autonomic neuropathy type IIC; KIF1A-Related HSAN2 (HSAN2C). Identifiers: Orphanet 970, MedGen C3280168, MONDO:0013634, OMIM 614213.
Intellectual disability, autosomal dominant 9 (NESCAVS). Also called: KIF1A-Related Neurodevelopmental Disorder; NESCAV SYNDROME. Identifiers: Orphanet 662367, MedGen C5393830, MONDO:0013656, OMIM 614255.

gnomAD v4.1: 14 of 1,611,166 alleles (0.00087%); highest among the groups gnomAD compares: Non-Finnish European, 0.0012%; no homozygotes.

Submissions (5):

Mayo Clinic Laboratories, Mayo Clinic
Classification: Uncertain significance. Last evaluated: 2025-12-03. Review status: criteria provided, single submitter. Criteria: ACMG Guidelines, 2015. Collection method: clinical testing. Allele origin: germline. Observed: 1 variant allele.
Comment: BP4, PM2_supporting

GeneDx
Classification: Likely benign. Last evaluated: 2025-07-22. Review status: criteria provided, single submitter. Criteria: GeneDx Variant Classification Process June 2021. Collection method: clinical testing. Allele origin: germline. Affected: yes.
Comment: See Variant Classification Assertion Criteria.

Labcorp Genetics (formerly Invitae), Labcorp
Classification: Uncertain significance for Hereditary spastic paraplegia 30; Neuropathy, hereditary sensory, type 2C; Intellectual disability, autosomal dominant 9. Last evaluated: 2023-02-03. Review status: criteria provided, single submitter. Criteria: Invitae Variant Classification Sherloc (09022015). Collection method: clinical testing. Allele origin: germline.
Comment: This sequence change falls in intron 6 of the KIF1A gene. It does not directly change the encoded amino acid sequence of the KIF1A protein. It affects a nucleotide within the consensus splice site. This variant is present in population databases (rs377502239, gnomAD 0.004%). This variant has not been reported in the literature in individuals affected with KIF1A-related conditions. ClinVar contains an entry for this variant (Variation ID: 392643). Variants that disrupt the consensus splice site are a relatively common cause of aberrant splicing (PMID: 17576681, 9536098). Algorithms developed to predict the effect of sequence changes on RNA splicing suggest that this variant is not likely to affect RNA splicing. In summary, the available evidence is currently insufficient to determine the role of this variant in disease. Therefore, it has been classified as a Variant of Uncertain Significance.

Clinical Genetics DNA and cytogenetics Diagnostics Lab, Erasmus MC, Erasmus Medical Center
Classification: Likely benign. Review status: no assertion criteria provided. Collection method: clinical testing. Allele origin: germline. Affected: yes. Study: VKGL Data-share Consensus. Not counted in ClinVar's aggregate classification.

Clinical Genetics, Academic Medical Center
Classification: Likely benign. Review status: no assertion criteria provided. Collection method: clinical testing. Allele origin: germline. Affected: yes. Study: VKGL Data-share Consensus. Not counted in ClinVar's aggregate classification.

Literature cited by the submitters: PubMed 17576681 (cited by Labcorp Genetics (formerly Invitae), Labcorp); PubMed 9536098 (cited by Labcorp Genetics (formerly Invitae), Labcorp).